The following is an entry in ClinVar:

NM_001374353.1(GLI2):c.299T>G (p.Leu100Trp)

Gene: GLI2 (GLI family zinc finger 2; plus strand). Cytogenetic location: 2q14.2.
Variant type: single nucleotide variant.
Coding change: c.299T>G on transcript NM_001374353.1 (MANE Select); coding-DNA position 299, T replaced by G.
Protein change: p.Leu100Trp; replaces leucine 100 with tryptophan.
Molecular consequence: missense variant. On other transcripts: 5 prime UTR variant (1).
Genome position (GRCh38, 1-based): chr2:120,951,287, T>G. VCF-style: chr2-120951287-T-G. GRCh37 (hg19) VCF-style: chr2-121708863-T-G.
Other names: c.299T>G, p.Leu100Trp (NM_001371271.1, NM_005270.5); c.-77T>G (NM_001374354.1); short protein forms L100W.
Identifiers: ClinVar variation 2573761 (VCV002573761.1), dbSNP rs2467613256, ClinGen allele CA348161804.

ClinVar aggregate classification (germline): Uncertain significance (1 of 4 stars; one submission).

Submission:

GeneDx
Classification: Uncertain significance. Last evaluated: 2023-01-18. Review status: criteria provided, single submitter. Criteria: GeneDx Variant Classification Process June 2021. Collection method: clinical testing. Allele origin: germline. Affected: yes.
Comment: Not observed at significant frequency in large population cohorts (gnomAD); In silico analysis supports that this missense variant has a deleterious effect on protein structure/function; Has not been previously published as pathogenic or benign to our knowledge